The following is an entry in ClinVar:

NM_000545.8(HNF1A):c.1022del (p.Pro340_Leu341insTer)

Gene: HNF1A (HNF1 homeobox A; plus strand). Cytogenetic location: 12q24.31.
Variant type: Deletion.
Coding change: c.1022del on transcript NM_000545.8 (MANE Select); coding-DNA position 1022, one base deleted (T; older notation c.1022delT).
Protein change: p.Pro340_Leu341insTer.
Molecular consequence: nonsense.
Genome position (GRCh38, 1-based): chr12:120,996,328, T deleted; the last of 2 consecutive T bases (chr12:120,996,327-120,996,328); deleting either gives the same sequence. VCF-style (leftmost placement, unchanged base first): chr12-120996326-CT-C. GRCh37 (hg19) VCF-style: chr12-121434129-CT-C.
Other names: c.1022del (NM_000545.6); c.1022del, p.Pro340_Leu341insTer (NM_001306179.2).
Identifiers: ClinVar variation 1451808 (VCV001451808.8), dbSNP rs1877096238, ClinGen allele CA2067683087.
Genomic context (GRCh38, chr12:120,996,326, plus strand): 5'-GCGCTATGGACAGCCTGCGACCAGTGAGACTGCAGAAGTACCCTCAAGCAGCGGCGGTCC[CT>C]TAGTGACAGTGTCTACACCCCTCCACCAAGTGTCCCCCACGGGCCTGGAGCCCAGCCACA-3'

ClinVar aggregate classification (germline): Pathogenic/Likely pathogenic. Review status: criteria provided, multiple submitters, no conflicts (2 of 4 stars). 4 submissions from 4 submitters: Pathogenic (2); Likely pathogenic (2). Last evaluated 2025-07-02.

Conditions:
Maturity-onset diabetes of the young (MODY). Also called: Maturity onset diabetes mellitus in young. Identifiers: Orphanet 552, MedGen C0342276, MONDO:0018911, HP:0004904.
Maturity-onset diabetes of the young type 3. Also called: MODY, type III; MODY type 3. Identifiers: Orphanet 552, MedGen C1838100, MeSH C563933, MONDO:0010894, OMIM 600496. Disease mechanism: loss of function.

Submissions (4):

Variantyx, Inc.
Classification: Likely pathogenic for Maturity-onset diabetes of the young type 3. Last evaluated: 2025-07-02. Review status: criteria provided, single submitter. Criteria: Variantyx Assertion Criteria 2022. Collection method: clinical testing. Allele origin: germline. Inheritance: Autosomal dominant inheritance. Affected: yes.
Comment: This is a frameshift variant in the HNF1A gene (OMIM: 142410). Pathogenic variants in this gene have been associated with autosomal dominant MODY, type III. This variant introduces a premature termination codon in exon 5 out of 10 and is expected to result in loss of function, which is a known disease mechanism for HNF1A in this disorder (PMID: 11668618) (PVS1). This variant is absent from control populations (PM2). Based on the current evidence, this variant is classified as likely pathogenic for autosomal dominant MODY, type III.

Genetic Services Laboratory, University of Chicago
Classification: Likely pathogenic. Last evaluated: 2023-11-21. Review status: criteria provided, single submitter. Criteria: ACMG Guidelines, 2015. Collection method: clinical testing. Allele origin: germline. Affected: yes.
Comment: DNA sequence analysis of the HNF1A gene demonstrated a sequence change, c.1022del, which results in the creation of a premature stop codon at amino acid position 341, p.Leu341*. This sequence change is predicted to result in an abnormal transcript, which may be degraded, or may lead to the production of a truncated HNF1A protein with potentially abnormal function. This sequence change has not been described in population databases such as ExAC and gnomAD. This sequence change has not yet been described in individuals with HNF1A-related disorders; however other truncating variants in this gene have been reported in associated with HNF1A-related disorders and have been desribed to be pathogenic (PMID: 15928245, 18003757, 21224407, 18003757, 23348805). Collectively, this evidence indicates that this sequence change is pathogenic, however functional studies have not been performed to prove this conclusively.

Labcorp Genetics (formerly Invitae), Labcorp
Classification: Pathogenic. Last evaluated: 2021-05-10. Review status: criteria provided, single submitter. Criteria: Invitae Variant Classification Sherloc (09022015). Collection method: clinical testing. Allele origin: germline.
Comment: For these reasons, this variant has been classified as Pathogenic. This variant has not been reported in the literature in individuals with HNF1A-related conditions. ClinVar contains an entry for this variant (Variation ID: 1033089). This variant is not present in population databases (ExAC no frequency). This sequence change creates a premature translational stop signal (p.Leu341*) in the HNF1A gene. It is expected to result in an absent or disrupted protein product. Loss-of-function variants in HNF1A are known to be pathogenic (PMID: 15928245, 18003757).

Clinical Genomics, Uppaluri K&H Personalized Medicine Clinic
Classification: Pathogenic for Maturity-onset diabetes of the young. Review status: criteria provided, single submitter. Criteria: K & H Uppaluri Personalized Medicine Clinic Variant Classification & Assertion Criteria_Updated V.1. Collection method: research. Allele origin: unknown. Inheritance: Autosomal dominant inheritance.
Comment: Mutations in HNF1A gene can predispose to MODY3. It is associated with both micro and macrovascular complications of diabetes, especially cardiovascular complications. Associated with glucosuria. May respond well to sulfonylureas. However, more evidence is required to confer the association of this particular variant rs1877096238 with MODY3.

Literature cited by the submitters: PubMed 11668618 (cited by Variantyx, Inc.); PubMed 15928245 (cited by Labcorp Genetics (formerly Invitae), Labcorp); PubMed 18003757 (cited by Labcorp Genetics (formerly Invitae), Labcorp); PubMed 31517624 (cited by Clinical Genomics, Uppaluri K&H Personalized Medicine Clinic); PubMed 35328643 (cited by Clinical Genomics, Uppaluri K&H Personalized Medicine Clinic); PubMed 32395877 (cited by Clinical Genomics, Uppaluri K&H Personalized Medicine Clinic); PubMed 35673428 (cited by Clinical Genomics, Uppaluri K&H Personalized Medicine Clinic).